The following is an entry in ClinVar:

NM_000383.4(AIRE):c.61del (p.Ala21fs)

Gene: AIRE (autoimmune regulator; plus strand). Cytogenetic location: 21q22.3.
Variant type: Deletion.
Coding change: c.61del on transcript NM_000383.4 (MANE Select); coding-DNA position 61, one base deleted (G; older notation c.61delG).
Protein change: p.Ala21fs; shifts the reading frame from alanine 21.
Molecular consequence: frameshift variant.
Genome position (GRCh38, 1-based): chr21:44,286,067, G deleted; the last of 2 consecutive G bases (chr21:44,286,066-44,286,067); deleting either gives the same sequence. VCF-style (leftmost placement, unchanged base first): chr21-44286065-TG-T. GRCh37 (hg19) VCF-style: chr21-45705948-TG-T.
Other names: short protein forms A21fs.
Identifiers: ClinVar variation 1724171 (VCV001724171.2), dbSNP rs2517875611, ClinGen allele CA2580098804.

ClinVar aggregate classification (germline): Likely pathogenic (1 of 4 stars; one submission).

Conditions:
Polyglandular autoimmune syndrome, type 1 (APS1). Also called: HYPOADRENOCORTICISM WITH HYPOPARATHYROIDISM AND SUPERFICIAL MONILIASIS; Whitaker syndrome; AUTOIMMUNE POLYENDOCRINE SYNDROME, TYPE I, WITH OR WITHOUT REVERSIBLE METAPHYSEAL DYSPLASIA; Autoimmune polyendocrine syndrome type 1; APS I; Autoimmune polyendocrinopathy syndrome, type I. Identifiers: Orphanet 3453, MedGen C0085859, MONDO:0009411, OMIM 240300.

Submission:

Myriad Genetics, Inc.
Classification: Likely pathogenic for Polyglandular autoimmune syndrome, type 1. Last evaluated: 2022-01-28. Review status: criteria provided, single submitter. Criteria: Myriad Women's Health Autosomal Recessive and X-Linked Classification Criteria (2021). Collection method: clinical testing. Allele origin: unknown.
Comment: NM_000383.3(AIRE):c.61delG(A21Pfs*29) is expected to be pathogenic in the context of autoimmune polyglandular syndrome type 1. This variant is predicted to lead to an abnormal or absent protein product due to the creation of a premature termination codon in AIRE, a gene where loss-of-function variants are known to be pathogenic. Please note: this variant was assessed in the context of healthy population screening.